The following is an entry in ClinVar:

ClinVar aggregate classification (germline): Uncertain significance. Review status: criteria provided, multiple submitters, no conflicts (2 of 4 stars). 2 submissions from 2 submitters: Uncertain significance (2). Last evaluated 2024-02-12.

Conditions:
Inborn genetic diseases. Identifiers: MedGen C0950123, MeSH D030342.
RYR1-related disorder. Also called: RYR1-related condition; RYR1-related disorders. Identifiers: MedGen CN239331.

gnomAD v4.1: 1 of 1,613,414 alleles (0.000062%); highest among the groups gnomAD compares: Admixed American, 0.0017%; no homozygotes.

Submissions (2):

Ambry Genetics
Classification: Uncertain significance for Inborn genetic diseases. Last evaluated: 2024-02-12. Review status: criteria provided, single submitter. Criteria: Ambry Variant Classification Scheme 2023. Collection method: clinical testing. Allele origin: germline.

Labcorp Genetics (formerly Invitae), Labcorp
Classification: Uncertain significance for RYR1-related disorder. Last evaluated: 2023-07-30. Review status: criteria provided, single submitter. Criteria: Invitae Variant Classification Sherloc (09022015). Collection method: clinical testing. Allele origin: germline.
Comment: This variant is not present in population databases (gnomAD no frequency). In summary, the available evidence is currently insufficient to determine the role of this variant in disease. Therefore, it has been classified as a Variant of Uncertain Significance. Advanced modeling of protein sequence and biophysical properties (such as structural, functional, and spatial information, amino acid conservation, physicochemical variation, residue mobility, and thermodynamic stability) performed at Invitae indicates that this missense variant is not expected to disrupt RYR1 protein function. This variant has not been reported in the literature in individuals affected with RYR1-related conditions. This sequence change replaces arginine, which is basic and polar, with glycine, which is neutral and non-polar, at codon 4187 of the RYR1 protein (p.Arg4187Gly).

NM_000540.3(RYR1):c.12559C>G (p.Arg4187Gly)

Gene: RYR1 (ryanodine receptor 1; plus strand). Cytogenetic location: 19q13.2.
Variant type: single nucleotide variant.
Coding change: c.12559C>G on transcript NM_000540.3 (MANE Select); coding-DNA position 12559, C replaced by G.
Protein change: p.Arg4187Gly; replaces arginine 4187 with glycine.
Molecular consequence: missense variant.
Genome position (GRCh38, 1-based): chr19:38,561,389, C>G. VCF-style: chr19-38561389-C-G. GRCh37 (hg19) VCF-style: chr19-39052029-C-G.
Other names: c.12544C>G, p.Arg4182Gly (NM_001042723.2); short protein forms R4182G, R4187G.
Identifiers: ClinVar variation 2844986 (VCV002844986.4), dbSNP rs761486041, ClinGen allele CA405669656.